The following is an entry in ClinVar:

NM_000059.4(BRCA2):c.994A>G (p.Ile332Val)

Gene: BRCA2 (BRCA2 DNA repair associated; plus strand). Cytogenetic location: 13q13.1.
Variant type: single nucleotide variant.
Coding change: c.994A>G on transcript NM_000059.4 (MANE Select); coding-DNA position 994, A replaced by G.
Protein change: p.Ile332Val; replaces isoleucine 332 with valine.
Molecular consequence: missense variant.
Genome position (GRCh38, 1-based): chr13:32,332,472, A>G. VCF-style: chr13-32332472-A-G. GRCh37 (hg19) VCF-style: chr13-32906609-A-G.
Other names: short protein forms I332V.
Identifiers: ClinVar variation 971232 (VCV000971232.12), dbSNP rs2072402170, ClinGen allele CA387761013.

ClinVar aggregate classification (germline): Conflicting classifications of pathogenicity. Review status: criteria provided, conflicting classifications (1 of 4 stars). 3 submissions from 3 submitters: Uncertain significance (1); Likely benign (2). Last evaluated 2026-03-02.

Conditions:
Hereditary breast ovarian cancer syndrome. Also called: Hereditary breast and ovarian cancer; Breast and ovarian cancer; BRCA1- and BRCA2-Associated Hereditary Breast and Ovarian Cancer; Hereditary breast and ovarian cancer syndrome (HBOC); Hereditary breast and/or ovarian cancer syndrome; Hereditary breast and ovarian cancer syndrome. Identifiers: Orphanet 145, MedGen C0677776, MeSH D061325, MONDO:0003582. Disease mechanism: loss of function.
Hereditary cancer-predisposing syndrome. Also called: Tumor predisposition; Hereditary neoplastic syndrome; Hereditary Cancer Syndrome; Neoplastic Syndromes, Hereditary. Identifiers: Orphanet 140162, MedGen C0027672, MeSH D009386, MONDO:0015356.

Submissions (3):

Ambry Genetics
Classification: Likely benign for Hereditary cancer-predisposing syndrome. Last evaluated: 2026-03-02. Review status: criteria provided, single submitter. Criteria: Ambry Variant Classification Scheme 2023. Collection method: clinical testing. Allele origin: germline.

Labcorp Genetics (formerly Invitae), Labcorp
Classification: Uncertain significance for Hereditary breast ovarian cancer syndrome. Last evaluated: 2024-06-21. Review status: criteria provided, single submitter. Criteria: Invitae Variant Classification Sherloc (09022015). Collection method: clinical testing. Allele origin: germline.
Comment: This sequence change replaces isoleucine, which is neutral and non-polar, with valine, which is neutral and non-polar, at codon 332 of the BRCA2 protein (p.Ile332Val). This variant is not present in population databases (gnomAD no frequency). This variant has not been reported in the literature in individuals affected with BRCA2-related conditions. ClinVar contains an entry for this variant (Variation ID: 971232). Advanced modeling of protein sequence and biophysical properties (such as structural, functional, and spatial information, amino acid conservation, physicochemical variation, residue mobility, and thermodynamic stability) performed at Invitae indicates that this missense variant is not expected to disrupt BRCA2 protein function with a negative predictive value of 95%. In summary, the available evidence is currently insufficient to determine the role of this variant in disease. Therefore, it has been classified as a Variant of Uncertain Significance.

University of Washington Department of Laboratory Medicine, University of Washington
Classification: Likely benign for Hereditary cancer-predisposing syndrome. Last evaluated: 2023-03-23. Review status: criteria provided, single submitter. Criteria: Dines et al. (Genet Med. 2020). Collection method: curation. Allele origin: germline.
Comment: Missense variant in a coldspot region where missense variants are very unlikely to be pathogenic (PMID:31911673).

BRCA2 exon 10 coldspot. Reclassification based on statistical prior probability.